The following is an entry in ClinVar:

ClinVar aggregate classification (germline): Uncertain significance (1 of 4 stars; one submission).

Allele frequency attached by ClinVar (database versions not stated): gnomAD exomes below 0.00001; ExAC 0.00001.
gnomAD v4.1: 1 of 1,612,346 alleles (0.000062%); highest among the groups gnomAD compares: Admixed American, 0.0017%; no homozygotes.

Submission:

Labcorp Genetics (formerly Invitae), Labcorp
Classification: Uncertain significance. Last evaluated: 2021-08-14. Review status: criteria provided, single submitter. Criteria: Invitae Variant Classification Sherloc (09022015). Collection method: clinical testing. Allele origin: germline.
Comment: This sequence change replaces isoleucine with threonine at codon 107 of the TSFM protein (p.Ile107Thr). The isoleucine residue is moderately conserved and there is a moderate physicochemical difference between isoleucine and threonine. This variant is present in population databases (rs758156753, ExAC 0.01%). This variant has not been reported in the literature in individuals affected with TSFM-related conditions. Algorithms developed to predict the effect of missense changes on protein structure and function (SIFT, PolyPhen-2, Align-GVGD) all suggest that this variant is likely to be disruptive. In summary, the available evidence is currently insufficient to determine the role of this variant in disease. Therefore, it has been classified as a Variant of Uncertain Significance.

NM_005726.6(TSFM):c.320T>C (p.Ile107Thr)

Gene: TSFM (Ts translation elongation factor, mitochondrial; plus strand). Cytogenetic location: 12q14.1.
Variant type: single nucleotide variant.
Coding change: c.320T>C on transcript NM_005726.6 (MANE Select); coding-DNA position 320, T replaced by C.
Protein change: p.Ile107Thr; replaces isoleucine 107 with threonine.
Molecular consequence: missense variant.
Genome position (GRCh38, 1-based): chr12:57,786,251, T>C. VCF-style: chr12-57786251-T-C. GRCh37 (hg19) VCF-style: chr12-58180034-T-C.
Other names: c.320T>C, p.Ile107Thr (NM_001172695.2, NM_001172696.2, NM_001172697.2); short protein forms I107T.
Identifiers: ClinVar variation 1957913 (VCV001957913.2), dbSNP rs758156753, ClinGen allele CA6659318.